The following is an entry in ClinVar:

ClinVar aggregate classification (germline): Likely pathogenic (1 of 4 stars; one submission).

Conditions:
Hereditary cancer-predisposing syndrome. Also called: Neoplastic Syndromes, Hereditary; Tumor predisposition; Hereditary Cancer Syndrome; Hereditary neoplastic syndrome. Identifiers: Orphanet 140162, MedGen C0027672, MeSH D009386, MONDO:0015356.

Submission:

Ambry Genetics
Classification: Likely pathogenic for Hereditary cancer-predisposing syndrome. Last evaluated: 2025-10-14. Review status: criteria provided, single submitter. Criteria: Ambry Variant Classification Scheme 2023. Collection method: clinical testing. Allele origin: germline.
Comment: The p.W308R variant (also known as c.922T>A), located in coding exon 8 of the STK11 gene, results from a T to A substitution at nucleotide position 922. The tryptophan at codon 308 is replaced by arginine, an amino acid with dissimilar properties. This variant was determined to be de novo in at least one individual with features consistent with Peutz-Jeghers syndrome (Ambry internal data). This nucleotide position is highly conserved in available vertebrate species. In silico splice site analysis predicts that this alteration will result in the creation or strengthening of a novel splice acceptor site. RNA studies have demonstrated that this alteration results in an incomplete splice defect; the clinical impact of this abnormal splicing is unknown at this time (Ambry internal data). This amino acid position is highly conserved in available vertebrate species. In addition, as a missense substitution this variant is predicted to be deleterious by in silico analysis. Based on internal structural analysis, p.W308R is more destabilizing to the local structure when compared to other nearby pathogenic variants (Ambry internal data). This variant is considered to be rare based on population cohorts in the Genome Aggregation Database (gnomAD). Based on the majority of available evidence to date, this variant is likely to be pathogenic.

NM_000455.5(STK11):c.922T>A (p.Trp308Arg)

Gene: STK11 (serine/threonine kinase 11; plus strand). Cytogenetic location: 19p13.3.
Variant type: single nucleotide variant.
Coding change: c.922T>A on transcript NM_000455.5 (MANE Select); coding-DNA position 922, T replaced by A.
Protein change: p.Trp308Arg; replaces tryptophan 308 with arginine.
Molecular consequence: missense variant. On other transcripts: non-coding transcript variant (1).
Genome position (GRCh38, 1-based): chr19:1,222,986, T>A. VCF-style: chr19-1222986-T-A. GRCh37 (hg19) VCF-style: chr19-1222985-T-A.
Other names: c.922T>A, p.Trp308Arg (NM_001407255.1); short protein forms W308R.
Identifiers: ClinVar variation 4176620 (VCV004176620.2).